The following is an entry in ClinVar:

NM_001349338.3(FOXP1):c.181-18012A>T

Gene: FOXP1 (forkhead box P1; minus strand). Cytogenetic location: 3p13.
Variant type: single nucleotide variant.
Coding change: c.181-18012A>T on transcript NM_001349338.3 (MANE Select); 18012 bases into the intron before coding-DNA position 181, A replaced by T.
Molecular consequence: intron variant.
Genome position (GRCh38, 1-based): chr3:71,130,649, T>A on the plus strand (A>T on the coding strand, the complement: FOXP1 is on the minus strand). VCF-style: chr3-71130649-T-A. GRCh37 (hg19) VCF-style: chr3-71179800-T-A.
Other names: c.181-18012A>T (NM_001244810.2, NM_032682.6, NM_001349340.3 and 5 more transcripts); c.-121+1442A>T (NM_001349343.3, NM_001349342.3).
Identifiers: ClinVar variation 4995232 (VCV004995232.1).
Genomic context (GRCh38, chr3:71,130,649, plus strand): 5'-GAAGCGGGGGTTGCCGAGTGGTAAAAAAGATGTTTGAATAAACAGGAAGTACTGTGCGGC[T>A]GAAGCACACTCGAAGAGAAAACACACTGGAACATTGCCCTTTGTAGGCAACCTCAGGGAG-3'

ClinVar aggregate classification (germline): Uncertain significance (1 of 4 stars; one submission).

Conditions:
FOXP1-related disorder. Also called: FOXP1-related condition.

Submission:

PreventionGenetics, part of Exact Sciences
Classification: Uncertain significance for FOXP1-related condition. Last evaluated: 2026-04-19. Review status: criteria provided, single submitter. Criteria: ACMG Guidelines, 2015. Collection method: clinical testing. Allele origin: germline.
Comment: The FOXP1 c.35A>T variant is predicted to result in the amino acid substitution p.Gln12Leu. To our knowledge, this variant has not been reported in the literature or in a large population database (gnomAD), indicating this variant is rare. At this time, the clinical significance of this variant is uncertain due to the absence of conclusive functional and genetic evidence.